The following is an entry in ClinVar:

ClinVar aggregate classification (germline): Likely benign (1 of 4 stars; one submission).

Conditions:
Pheochromocytoma/paraganglioma syndrome 5. Also called: Paragangliomas 5; SDHA-Related Hereditary Paraganglioma-Pheochromocytoma Syndrome. Identifiers: Orphanet 29072, MedGen C3279992, MONDO:0013602, OMIM 614165.

gnomAD v4.1: 1 of 1,612,938 alleles (0.000062%); highest among the groups gnomAD compares: Non-Finnish European, 0.000085%; no homozygotes.

Submission:

Myriad Genetics, Inc.
Classification: Likely benign for Pheochromocytoma/paraganglioma syndrome 5. Last evaluated: 2025-03-03. Review status: criteria provided, single submitter. Criteria: Myriad Autosomal Dominant, Autosomal Recessive and X-Linked Classification Criteria (2023). Collection method: clinical testing. Allele origin: unknown.
Comment: This variant is considered likely benign. This variant is intronic and is not expected to impact mRNA splicing.

NM_004168.4(SDHA):c.896-19T>C

Gene: SDHA (succinate dehydrogenase complex flavoprotein subunit A; plus strand). Cytogenetic location: 5p15.33.
Variant type: single nucleotide variant.
Coding change: c.896-19T>C on transcript NM_004168.4 (MANE Select); 19 bases into the intron before coding-DNA position 896, T replaced by C.
Molecular consequence: intron variant.
Genome position (GRCh38, 1-based): chr5:233,458, T>C. VCF-style: chr5-233458-T-C. GRCh37 (hg19) VCF-style: chr5-233573-T-C.
Other names: c.896-19T>C (NM_001330758.2); c.752-19T>C (NM_001294332.2).
Identifiers: ClinVar variation 3904385 (VCV003904385.1).